The following is an entry in ClinVar:

NM_031885.5(BBS2):c.345+5G>A

Gene: BBS2 (Bardet-Biedl syndrome 2; minus strand). Cytogenetic location: 16q13.
Variant type: single nucleotide variant.
Coding change: c.345+5G>A on transcript NM_031885.5 (MANE Select); 5 bases into the intron after coding-DNA position 345, G replaced by A.
Molecular consequence: intron variant.
Genome position (GRCh38, 1-based): chr16:56,514,448, C>T on the plus strand (G>A on the coding strand, the complement: BBS2 is on the minus strand). VCF-style: chr16-56514448-C-T. GRCh37 (hg19) VCF-style: chr16-56548360-C-T.
Other names: c.345+5G>A (NM_001377456.1).
Identifiers: ClinVar variation 635048 (VCV000635048.10), dbSNP rs1430976492, ClinGen allele CA622656273.
Genomic context (GRCh38, chr16:56,514,448, plus strand): 5'-TCTAAGCATAAAAAATGGACATTAATGAGTAATGACAATTTTATGGTTATAAAGGTTATA[C>T]TTGCCTCTCTGTAGAACAAATCCGAATTATTGTAGACATCATAAGCCAAAAGATTAGTCT-3'

ClinVar aggregate classification (germline): Conflicting classifications of pathogenicity. Review status: criteria provided, conflicting classifications (1 of 4 stars). 4 submissions from 4 submitters: Likely pathogenic (1); Uncertain significance (3). Last evaluated 2026-03-20.

Conditions:
Bardet-Biedl syndrome (BBS). Identifiers: Orphanet 110, MedGen C0752166, MONDO:0015229.
Bardet-Biedl syndrome 2 (BBS2). Identifiers: Orphanet 110, MedGen C2936863, MONDO:0014432, OMIM 615981.
BBS2-related disorder. Also called: BBS2-related condition; BBS2-related disorders. Identifiers: MedGen CN239228.

Allele frequency attached by ClinVar (database versions not stated): TOPMed below 0.00001; gnomAD 0.00001; gnomAD exomes 0.00001.
gnomAD v4.1: 4 of 1,611,874 alleles (0.00025%); highest among the groups gnomAD compares: Non-Finnish European, 0.00034%; no homozygotes.

Submissions (4):

PreventionGenetics, part of Exact Sciences
Classification: Uncertain significance for BBS2-related condition. Last evaluated: 2026-03-20. Review status: criteria provided, single submitter. Criteria: ACMG Guidelines, 2015. Collection method: clinical testing. Allele origin: germline.
Comment: The BBS2 c.345+5G>A variant is predicted to interfere with splicing. This variant was reported in the homozygous state in a patient with Bardet-Biedl syndrome (Redin et al. 2012. PubMed ID: 22773737). It has also been reported along with a variant of uncertain significance in BBS2 in a patient with retinitis pigmentosa; however, that patient also had a pathogenic variant in RP1 (Table S1, Schlottmann et al. 2023. PubMed ID: 37217489). This variant is reported in 0.0065% of alleles in individuals of European (Non-Finnish) descent in gnomAD. Although we suspect that this variant may be pathogenic, at this time, the clinical significance of this variant is uncertain due to the absence of conclusive functional and genetic evidence.

Labcorp Genetics (formerly Invitae), Labcorp
Classification: Likely pathogenic for Bardet-Biedl syndrome. Last evaluated: 2025-12-22. Review status: criteria provided, single submitter. Criteria: Invitae Variant Classification Sherloc (09022015). Collection method: clinical testing. Allele origin: germline.
Comment: This sequence change falls in intron 2 of the BBS2 gene. It does not directly change the encoded amino acid sequence of the BBS2 protein. It affects a nucleotide within the consensus splice site. This variant is present in population databases (no rsID available, gnomAD 0.007%). This variant has been observed in individual(s) with autosomal recessive retinitis pigmentosa and/or Bardet-Biedl syndrome (PMID: 22773737, 37217489; internal data). ClinVar contains an entry for this variant (Variation ID: 635048). Variants that disrupt the consensus splice site are a relatively common cause of aberrant splicing (PMID: 17576681, 9536098). Algorithms developed to predict the effect of sequence changes on RNA splicing suggest that this variant may disrupt the consensus splice site. In summary, the currently available evidence indicates that the variant is pathogenic, but additional data are needed to prove that conclusively. Therefore, this variant has been classified as Likely Pathogenic.

Women's Health and Genetics/Laboratory Corporation of America, LabCorp
Classification: Uncertain significance. Last evaluated: 2025-06-24. Review status: criteria provided, single submitter. Criteria: LabCorp Variant Classification Summary - May 2015. Collection method: clinical testing. Allele origin: germline.
Comment: Variant summary: BBS2 c.345+5G>A alters a conserved nucleotide located close to a canonical splice site and therefore could affect mRNA splicing, leading to a significantly altered protein sequence. Several computational tools predict a significant impact on normal splicing: Three predict the variant no significant impact on splicing. One predict the variant weakens a 5' donor site. However, these predictions have yet to be confirmed by functional studies. The variant was absent in 251306 control chromosomes. c.345+5G>A has been observed in individual(s) affected with Bardet-Biedl Syndrome (Redin_2012) or Retinitis Pigmentosa (Schlottmann_2023). These data indicate that the variant may be associated with disease. To our knowledge, no experimental evidence demonstrating an impact on protein function has been reported. The following publications have been ascertained in the context of this evaluation (PMID: 23432027, 22773737, 37217489). ClinVar contains an entry for this variant (Variation ID: 635048). Based on the evidence outlined above, the variant was classified as VUS-possibly pathogenic.

Broad Center for Mendelian Genomics, Broad Institute of MIT and Harvard
Classification: Uncertain significance for Bardet-Biedl syndrome 2. Last evaluated: 2018-06-15. Review status: criteria provided, single submitter. Criteria: ACMG Guidelines, 2015. Collection method: research. Allele origin: germline. Inheritance: Autosomal recessive inheritance. Affected: yes.
Comment: This variant is located in the extended 5' splice region. This variant has been identified in <0.01% (1/15002) of European (Non-Finnish) chromosomes by the Genome Aggregation Database (gnomAD). Although this variant has been seen in the general population, its frequency is low enough to be consistent with a recessive carrier frequency. Computational prediction tools do not provide strong support for or against an impact to the protein. In summary, the clinical significance of this variant is uncertain.

Literature cited by the submitters: PubMed 22773737 (cited by Labcorp Genetics (formerly Invitae), Labcorp and Women's Health and Genetics/Laboratory Corporation of America, LabCorp); PubMed 37217489 (cited by Labcorp Genetics (formerly Invitae), Labcorp and Women's Health and Genetics/Laboratory Corporation of America, LabCorp); PubMed 17576681 (cited by Labcorp Genetics (formerly Invitae), Labcorp); PubMed 9536098 (cited by Labcorp Genetics (formerly Invitae), Labcorp); PubMed 23432027 (cited by Women's Health and Genetics/Laboratory Corporation of America, LabCorp).